The following is an entry in ClinVar:

NM_000053.4(ATP7B):c.1214C>T (p.Pro405Leu)

Gene: ATP7B (ATPase copper transporting beta; minus strand). Cytogenetic location: 13q14.3.
Variant type: single nucleotide variant.
Coding change: c.1214C>T on transcript NM_000053.4 (MANE Select); coding-DNA position 1214, C replaced by T.
Protein change: p.Pro405Leu; replaces proline 405 with leucine.
Molecular consequence: missense variant.
Genome position (GRCh38, 1-based): chr13:51,974,006, G>A on the plus strand (C>T on the coding strand, the complement: ATP7B is on the minus strand). VCF-style: chr13-51974006-G-A. GRCh37 (hg19) VCF-style: chr13-52548142-G-A.
Other names: c.1214C>T, p.Pro405Leu (NM_001406526.1, NM_001406527.1, NM_001406528.1 and 29 more transcripts); c.1118C>T, p.Pro373Leu (NM_001406530.1, NM_001406536.1, NM_001406517.1 and 3 more transcripts); c.881C>T, p.Pro294Leu (NM_001243182.2); c.785C>T, p.Pro262Leu (NM_001406539.1); short protein forms P262L, P373L, P294L, P405L.
Identifiers: ClinVar variation 2193986 (VCV002193986.2), dbSNP rs1182562637, ClinGen allele CA388038342.
Genomic context (GRCh38, chr13:51,974,006, plus strand): 5'-GAAGCCTCAAATCCCATGTCTTCTATAGCAGCTCTGAGTTCTTCTGGGCTAATTACAGAG[G>A]GATTATAAAGAACTGTTGCAGTCCCTTCGGCCAAAGACACCGATATTTGCTGCACCCCTT-3'
Protein context (NP_000044.2, residues 395-415): AEGTATVLYN[Pro405Leu]SVISPEELRA

ClinVar aggregate classification (germline): Uncertain significance (1 of 4 stars; one submission).

Conditions:
Wilson disease (WND). Also called: Wilson's disease. Identifiers: Orphanet 905, MedGen C0019202, MONDO:0010200, OMIM 277900. Disease mechanism: loss of function.

Allele frequency attached by ClinVar (database versions not stated): gnomAD exomes below 0.00001; gnomAD 0.00001; TOPMed 0.00001.
gnomAD v4.1: 4 of 1,614,114 alleles (0.00025%); highest among the groups gnomAD compares: Admixed American, 0.005%; no homozygotes.

Submission:

Labcorp Genetics (formerly Invitae), Labcorp
Classification: Uncertain significance for Wilson disease. Last evaluated: 2024-02-23. Review status: criteria provided, single submitter. Criteria: Invitae Variant Classification Sherloc (09022015). Collection method: clinical testing. Allele origin: germline.
Comment: This sequence change replaces proline, which is neutral and non-polar, with leucine, which is neutral and non-polar, at codon 405 of the ATP7B protein (p.Pro405Leu). This variant is present in population databases (no rsID available, gnomAD 0.006%). This variant has not been reported in the literature in individuals affected with ATP7B-related conditions. ClinVar contains an entry for this variant (Variation ID: 2193986). Advanced modeling of protein sequence and biophysical properties (such as structural, functional, and spatial information, amino acid conservation, physicochemical variation, residue mobility, and thermodynamic stability) performed at Invitae indicates that this missense variant is not expected to disrupt ATP7B protein function with a negative predictive value of 80%. In summary, the available evidence is currently insufficient to determine the role of this variant in disease. Therefore, it has been classified as a Variant of Uncertain Significance.